The following is an entry in ClinVar:

ClinVar aggregate classification (germline): Uncertain significance (1 of 4 stars; one submission).

Submission:

Labcorp Genetics (formerly Invitae), Labcorp
Classification: Uncertain significance. Last evaluated: 2025-09-24. Review status: criteria provided, single submitter. Criteria: Invitae Variant Classification Sherloc (09022015). Collection method: clinical testing. Allele origin: germline.
Comment: This sequence change replaces threonine, which is neutral and polar, with isoleucine, which is neutral and non-polar, at codon 3578 of the KMT2A protein (p.Thr3578Ile). This variant is present in population databases (rs370698782, gnomAD 0.02%). This variant has not been reported in the literature in individuals affected with KMT2A-related conditions. Invitae Evidence Modeling of protein sequence and biophysical properties (such as structural, functional, and spatial information, amino acid conservation, physicochemical variation, residue mobility, and thermodynamic stability) indicates that this missense variant is not expected to disrupt KMT2A protein function with a negative predictive value of 95%. In summary, the available evidence is currently insufficient to determine the role of this variant in disease. Therefore, it has been classified as a Variant of Uncertain Significance.

NM_001197104.2(KMT2A):c.10733C>T (p.Thr3578Ile)

Gene: KMT2A (lysine methyltransferase 2A; plus strand). Cytogenetic location: 11q23.3.
Variant type: single nucleotide variant.
Coding change: c.10733C>T on transcript NM_001197104.2 (MANE Select); coding-DNA position 10733, C replaced by T.
Protein change: p.Thr3578Ile; replaces threonine 3578 with isoleucine.
Molecular consequence: missense variant.
Genome position (GRCh38, 1-based): chr11:118,506,625, C>T. VCF-style: chr11-118506625-C-T. GRCh37 (hg19) VCF-style: chr11-118377340-C-T.
Other names: c.10823C>T, p.Thr3608Ile (NM_001412597.1); c.10724C>T, p.Thr3575Ile (NM_005933.4); short protein forms T3608I, T3575I, T3578I.
Identifiers: ClinVar variation 4771789 (VCV004771789.1).